The following is an entry in ClinVar:

NM_000539.3(RHO):c.891C>T (p.Ser297=)

Gene: RHO (rhodopsin; plus strand). Cytogenetic location: 3q22.1.
Variant type: single nucleotide variant.
Coding change: c.891C>T on transcript NM_000539.3 (MANE Select); coding-DNA position 891, C replaced by T.
Protein change: p.Ser297=; no amino-acid change (serine 297 retained).
Molecular consequence: synonymous variant.
Genome position (GRCh38, 1-based): chr3:129,532,727, C>T. VCF-style: chr3-129532727-C-T. GRCh37 (hg19) VCF-style: chr3-129251570-C-T.
Identifiers: ClinVar variation 143082 (VCV000143082.18), dbSNP rs142285818, ClinGen allele CA232817.
Genomic context (GRCh38, chr3:129,532,727, plus strand): 5'-CCACCAGGGCTCCAACTTCGGTCCCATCTTCATGACCATCCCAGCGTTCTTTGCCAAGAG[C>T]GCCGCCATCTACAACCCTGTCATCTATATCATGATGAACAAGCAGGTGCCTACTGCGGGT-3'
Protein context (NP_000530.1, residues 287-307): FMTIPAFFAK[Ser297=]AAIYNPVIYI

ClinVar aggregate classification (germline): Benign/Likely benign. Review status: criteria provided, multiple submitters, no conflicts (2 of 4 stars). 6 submissions from 5 submitters: Benign (2); Likely benign (3). 1 of the submissions does not count toward it. Last evaluated 2025-10-13.

Conditions:
Retinal dystrophy. Also called: Inherited retinal dystrophy. Identifiers: Orphanet 71862, MedGen C0854723, MeSH D058499, MONDO:0019118, HP:0000556.
Retinitis pigmentosa (RP). Identifiers: Orphanet 791, MedGen C0035334, MeSH D012174, MONDO:0019200, OMIM 268000. Inheritance: Autosomal dominant, autosomal recessive and X linked inheritance.
Congenital stationary night blindness autosomal dominant 1. Also called: NIGHT BLINDNESS, CONGENITAL STATIONARY, RHODOPSIN-RELATED. Identifiers: Orphanet 215, MedGen C1864869, MONDO:0012498, OMIM 610445.

Allele frequency attached by ClinVar (database versions not stated): gnomAD 0.00041 and 0.00054; TOPMed 0.00070; gnomAD exomes 0.00071 and 0.00097; ExAC 0.00091; 1000 Genomes Project 0.00120; 1000 Genomes Project 30x 0.00125.
gnomAD v4.1: 1,134 of 1,614,244 alleles (0.07%); highest among the groups gnomAD compares: East Asian, 1.4%; 7 homozygotes.

Submissions (6):

Labcorp Genetics (formerly Invitae), Labcorp
Classification: Benign. Last evaluated: 2025-10-13. Review status: criteria provided, single submitter. Criteria: Invitae Variant Classification Sherloc (09022015). Collection method: clinical testing. Allele origin: germline.

Blueprint Genetics
Classification: Likely benign. Last evaluated: 2024-10-04. Review status: criteria provided, single submitter. Criteria: ACMG Guidelines, 2015. Collection method: clinical testing. Allele origin: germline.

Dept Of Ophthalmology, Nagoya University
Classification: Benign for Retinal dystrophy. Last evaluated: 2023-10-01. Review status: criteria provided, single submitter. Criteria: Submitter's publication. Collection method: research. Allele origin: germline. Affected: yes.

Illumina Laboratory Services, Illumina
Classification: Likely benign for Congenital stationary night blindness autosomal dominant 1. Last evaluated: 2017-04-27. Review status: criteria provided, single submitter. Criteria: ICSL Variant Classification Criteria 13 December 2019. Collection method: clinical testing. Allele origin: germline.
Comment: This variant was observed as part of a predisposition screen in an ostensibly healthy population. A literature search was performed for the gene, cDNA change, and amino acid change (where applicable). No publications were found based on this search. Allele frequency data from public databases allowed determination this variant is unlikely to cause disease. Therefore, this variant is classified as likely benign.

Illumina Laboratory Services, Illumina
Classification: Likely benign for Retinitis pigmentosa. Last evaluated: 2017-04-27. Review status: criteria provided, single submitter. Criteria: ICSL Variant Classification Criteria 13 December 2019. Collection method: clinical testing. Allele origin: germline.
Comment: the same text as in the submission from Illumina Laboratory Services, Illumina above.

Department of Ophthalmology and Visual Sciences Kyoto University
Classification: Likely benign. Review status: no assertion criteria provided. Collection method: not provided. Allele origin: unknown. Not counted in ClinVar's aggregate classification.
ClinVar note: Converted during submission from probable-non-pathogenic to Likely benign.